The following is an entry in ClinVar:

NM_000038.6(APC):c.3232T>C (p.Tyr1078His)

Gene: APC (APC regulator of Wnt signaling pathway; plus strand). Cytogenetic location: 5q22.2.
Variant type: single nucleotide variant.
Coding change: c.3232T>C on transcript NM_000038.6 (MANE Select); coding-DNA position 3232, T replaced by C.
Protein change: p.Tyr1078His; replaces tyrosine 1078 with histidine.
Molecular consequence: missense variant.
Genome position (GRCh38, 1-based): chr5:112,838,826, T>C. VCF-style: chr5-112838826-T-C. GRCh37 (hg19) VCF-style: chr5-112174523-T-C.
Other names: c.3232T>C, p.Tyr1078His (NM_001127510.3, NM_001354895.2); c.3178T>C, p.Tyr1060His (NM_001127511.3); c.3286T>C, p.Tyr1096His (NM_001354896.2); c.3262T>C, p.Tyr1088His (NM_001354897.2); c.3157T>C, p.Tyr1053His (NM_001354898.2); c.3148T>C, p.Tyr1050His (NM_001354899.2); c.3109T>C, p.Tyr1037His (NM_001354900.2); c.3055T>C, p.Tyr1019His (NM_001354901.2); and 5 more; short protein forms Y1019H, Y1037H, Y1050H, Y1053H, Y1060H, Y1078H, Y1088H, Y1096H.
Identifiers: ClinVar variation 1026753 (VCV001026753.13), dbSNP rs367687901, ClinGen allele CA034730.

ClinVar aggregate classification (germline): Uncertain significance. Review status: criteria provided, multiple submitters, no conflicts (2 of 4 stars). 3 submissions from 3 submitters: Uncertain significance (3). Last evaluated 2024-06-15.

Conditions:
Classic or attenuated familial adenomatous polyposis. Identifiers: MedGen CN372698, MONDO:0021057.
Hereditary cancer-predisposing syndrome. Also called: Neoplastic Syndromes, Hereditary; Tumor predisposition; Hereditary Cancer Syndrome; Hereditary neoplastic syndrome. Identifiers: Orphanet 140162, MedGen C0027672, MeSH D009386, MONDO:0015356.
Familial adenomatous polyposis 1 (FAP1). Also called: FAMILIAL ADENOMATOUS POLYPOSIS 1, ATTENUATED; POLYPOSIS, ADENOMATOUS INTESTINAL. Identifiers: MedGen C2713442, MONDO:0021056, OMIM 175100. Disease mechanism: loss of function.

Allele frequency attached by ClinVar (database versions not stated): TOPMed below 0.00001; ExAC 0.00001; gnomAD 0.00001; ESP Exome Variant Server 0.00008.
gnomAD v4.1: 1 of 1,614,060 alleles (0.000062%); highest among the groups gnomAD compares: Non-Finnish European, 0.000085%; no homozygotes.

Submissions (3):

Labcorp Genetics (formerly Invitae), Labcorp
Classification: Uncertain significance for Familial adenomatous polyposis 1. Last evaluated: 2024-06-15. Review status: criteria provided, single submitter. Criteria: Invitae Variant Classification Sherloc (09022015). Collection method: clinical testing. Allele origin: germline.
Comment: This sequence change replaces tyrosine, which is neutral and polar, with histidine, which is basic and polar, at codon 1078 of the APC protein (p.Tyr1078His). This variant is present in population databases (rs367687901, gnomAD 0.0009%). This variant has not been reported in the literature in individuals affected with APC-related conditions. ClinVar contains an entry for this variant (Variation ID: 1026753). Advanced modeling of protein sequence and biophysical properties (such as structural, functional, and spatial information, amino acid conservation, physicochemical variation, residue mobility, and thermodynamic stability) performed at Invitae indicates that this missense variant is not expected to disrupt APC protein function with a negative predictive value of 95%. In summary, the available evidence is currently insufficient to determine the role of this variant in disease. Therefore, it has been classified as a Variant of Uncertain Significance.

Ambry Genetics
Classification: Uncertain significance for Hereditary cancer-predisposing syndrome. Last evaluated: 2024-01-05. Review status: criteria provided, single submitter. Criteria: Ambry Variant Classification Scheme 2023. Collection method: clinical testing. Allele origin: germline.
Comment: The p.Y1078H variant (also known as c.3232T>C), located in coding exon 15 of the APC gene, results from a T to C substitution at nucleotide position 3232. The tyrosine at codon 1078 is replaced by histidine, an amino acid with similar properties. This amino acid position is well conserved in available vertebrate species. In addition, in silico predictors for this gene do not accurately predict pathogenicity. Since supporting evidence is limited at this time, the clinical significance of this alteration remains unclear.

All of Us Research Program, National Institutes of Health
Classification: Uncertain significance for Classic or attenuated familial adenomatous polyposis. Last evaluated: 2023-11-30. Review status: criteria provided, single submitter. Criteria: ACMG Guidelines, 2015. Collection method: clinical testing. Allele origin: germline. Inheritance: Autosomal dominant inheritance. Observed: 1 variant allele, 1 heterozygote.
Comment: This study involves interpretation of variants in research participants for the purpose of population health screening. Participant phenotype was not available at the time of variant classification. Additional details can be found in publication PMID: 35346344, PMCID: PMC8962531